The following is an entry in ClinVar:

ClinVar aggregate classification (germline): Conflicting classifications of pathogenicity. Review status: criteria provided, conflicting classifications (1 of 4 stars). 2 submissions from 2 submitters: Uncertain significance (1); Likely benign (1). Last evaluated 2024-08-01.

Conditions:
Inborn genetic diseases. Identifiers: MedGen C0950123, MeSH D030342.
JAM3-related disorder. Also called: JAM3-related condition.

Allele frequency attached by ClinVar (database versions not stated): TOPMed 0.00005; gnomAD 0.00007; ExAC 0.00008; 1000 Genomes Project 30x 0.00016; 1000 Genomes Project 0.00020.
gnomAD v4.1: 210 of 1,614,192 alleles (0.013%); highest among the groups gnomAD compares: Non-Finnish European, 0.017%; no homozygotes.

Submissions (2):

Ambry Genetics
Classification: Likely benign for Inborn genetic diseases. Last evaluated: 2024-08-01. Review status: criteria provided, single submitter. Criteria: Ambry Variant Classification Scheme 2023. Collection method: clinical testing. Allele origin: germline.

PreventionGenetics, part of Exact Sciences
Classification: Uncertain significance for JAM3-related condition. Last evaluated: 2023-05-12. Review status: criteria provided, single submitter. Criteria: ACMG Guidelines, 2015. Collection method: clinical testing. Allele origin: germline.
Comment: The JAM3 c.451C>A variant is predicted to result in the amino acid substitution p.Pro151Thr. To our knowledge, this variant has not been reported in the literature. This variant is reported in 0.014% of alleles in individuals of European (Non-Finnish) descent in gnomAD. At this time, the clinical significance of this variant is uncertain due to the absence of conclusive functional and genetic evidence.

NM_032801.5(JAM3):c.451C>A (p.Pro151Thr)

Gene: JAM3 (junctional adhesion molecule 3; plus strand). Cytogenetic location: 11q25.
Variant type: single nucleotide variant.
Coding change: c.451C>A on transcript NM_032801.5 (MANE Select); coding-DNA position 451, C replaced by A.
Protein change: p.Pro151Thr; replaces proline 151 with threonine.
Molecular consequence: missense variant.
Genome position (GRCh38, 1-based): chr11:134,144,833, C>A. VCF-style: chr11-134144833-C-A. GRCh37 (hg19) VCF-style: chr11-134014728-C-A.
Other names: c.298C>A, p.Pro100Thr (NM_001205329.2); short protein forms P100T, P151T.
Identifiers: ClinVar variation 2635655 (VCV002635655.2), dbSNP rs138314437, ClinGen allele CA6370057.